The following is an entry in ClinVar:

NM_000217.3(KCNA1):c.943C>T (p.Leu315=)

Gene: KCNA1 (potassium voltage-gated channel subfamily A member 1; plus strand). Cytogenetic location: 12p13.32.
Variant type: single nucleotide variant.
Coding change: c.943C>T on transcript NM_000217.3 (MANE Select); coding-DNA position 943, C replaced by T.
Protein change: p.Leu315=; no amino-acid change (leucine 315 retained).
Molecular consequence: synonymous variant.
Genome position (GRCh38, 1-based): chr12:4,912,321, C>T. VCF-style: chr12-4912321-C-T. GRCh37 (hg19) VCF-style: chr12-5021487-C-T.
Other names: c.943C>T (NM_000217.2).
Identifiers: ClinVar variation 1145355 (VCV001145355.11), dbSNP rs71582857, ClinGen allele CA6399448.
Genomic context (GRCh38, chr12:4,912,321, plus strand): 5'-CGCTTGGTAAGGGTTTTTAGAATCTTCAAGCTCTCCCGCCACTCTAAGGGCCTCCAGATC[C>T]TGGGCCAGACCCTCAAAGCTAGTATGAGAGAGCTAGGGCTGCTCATCTTTTTCCTCTTCA-3'
Protein context (NP_000208.2, residues 305-325): LSRHSKGLQI[Leu315=]GQTLKASMRE

ClinVar aggregate classification (germline): Likely benign. Review status: criteria provided, multiple submitters, no conflicts (2 of 4 stars). 3 submissions from 3 submitters: Likely benign (2). 1 of the submissions does not count toward it. Last evaluated 2026-03-16.

Conditions:
KCNA1-related disorder. Also called: KCNA1-related condition; KCNA1-related disorders.
Episodic ataxia type 1 (EA1). Also called: ATAXIA, EPISODIC, WITH MYOKYMIA; Episodic ataxia/myokymia syndrome; MYOKYMIA WITH PERIODIC ATAXIA; PAROXYSMAL ATAXIA WITH NEUROMYOTONIA, HEREDITARY. Identifiers: Orphanet 37612, Orphanet 972, MedGen C1719788, MONDO:0008047, OMIM 160120.

Allele frequency attached by ClinVar (database versions not stated): ExAC 0.00001; gnomAD 0.00001 and 0.00002; gnomAD exomes 0.00002 and 0.00004; TOPMed 0.00002; ESP Exome Variant Server 0.00008.

Submissions (3):

Women's Health and Genetics/Laboratory Corporation of America, LabCorp
Classification: Likely benign. Last evaluated: 2026-03-16. Review status: criteria provided, single submitter. Criteria: LabCorp Variant Classification Summary - May 2015. Collection method: clinical testing. Allele origin: germline.

Labcorp Genetics (formerly Invitae), Labcorp
Classification: Likely benign for Episodic ataxia type 1. Last evaluated: 2025-11-03. Review status: criteria provided, single submitter. Criteria: Invitae Variant Classification Sherloc (09022015). Collection method: clinical testing. Allele origin: germline.

PreventionGenetics, part of Exact Sciences
Classification: Likely benign for KCNA1-related condition. Last evaluated: 2024-07-18. Review status: no assertion criteria provided. Collection method: clinical testing. Allele origin: germline. Not counted in ClinVar's aggregate classification.
Comment: This variant is classified as likely benign based on ACMG/AMP sequence variant interpretation guidelines (Richards et al. 2015 PMID: 25741868, with internal and published modifications).